The following is an entry in ClinVar:

NM_001267550.2(TTN):c.101884C>T (p.Gln33962Ter)

Genes: TTN (titin; minus strand), TTN-AS1 (TTN antisense RNA 1; plus strand). Cytogenetic location: 2q31.2.
Variant type: single nucleotide variant.
Coding change: c.101884C>T on transcript NM_001267550.2 (MANE Select); coding-DNA position 101884, C replaced by T.
Protein change: p.Gln33962Ter; replaces glutamine 33962 with a stop codon.
Molecular consequence: nonsense.
Genome position (GRCh38, 1-based): chr2:178,534,731, G>A on the plus strand (C>T on the coding strand, the complement: TTN is on the minus strand). VCF-style: chr2-178534731-G-A. GRCh37 (hg19) VCF-style: chr2-179399458-G-A.
Other names: c.96961C>T, p.Gln32321Ter (NM_001256850.1); c.74689C>T, p.Gln24897Ter (NM_003319.4); c.94180C>T, p.Gln31394Ter (NM_133378.4); c.75064C>T, p.Gln25022Ter (NM_133432.3); c.75265C>T, p.Gln25089Ter (NM_133437.4); short protein forms Q31394*, Q25089*, Q32321*, Q24897*, Q25022*, Q33962*.
Identifiers: ClinVar variation 3330063 (VCV003330063.1).
Genomic context (GRCh38, chr2:178,534,731, plus strand): 5'-AGTATTCTGGGGCAGTGAATAGAAGCCTGAAGTTGTCCCCTGGTTTCAGCTGACGGGCTT[G>A]ACCAAATTCTATGATTTTAATGGTAGAGCTTCTTCTGGTTTGGTAAATGATATTTTCTGG-3'

ClinVar aggregate classification (germline): Likely pathogenic (1 of 4 stars; one submission).

Conditions:
Cardiovascular phenotype. Identifiers: MedGen CN230736.

Submission:

Ambry Genetics
Classification: Likely pathogenic for Cardiovascular phenotype. Last evaluated: 2024-04-08. Review status: criteria provided, single submitter. Criteria: Ambry Variant Classification Scheme 2023. Collection method: clinical testing. Allele origin: germline.
Comment: The p.Q24897* variant (also known as c.74689C>T), located in coding exon 185 of the TTN gene, results from a C to T substitution at nucleotide position 74689. This changes the amino acid from a glutamine to a stop codon within coding exon 185. This exon is located in the M-band region of the N2-B isoform of the titin protein and is constitutively expressed in TTN transcripts (percent spliced in or PSI 100%). This variant is considered to be rare based on population cohorts in the Genome Aggregation Database (gnomAD). This alteration is expected to result in loss of function by premature protein truncation or nonsense-mediated mRNA decay. While truncating variants in TTN are present in 1-3% of the general population, truncating variants in the M-band have been reported in association with autosomal recessive titinopathies, primarily presenting with skeletal myopathy phenotypes (Ceyhan-Birsoy O et al. Neurology. 2013 Oct 1;81(14):1205-14; De Cid R et al. Neurology. 2015;85(24):2126-35). In addition, regardless of their position, TTN truncating variants encoded in constitutive exons (PSI >90%) have been found to be significantly associated with dilated cardiomyopathy (DCM), though truncating variants in the A-band are the most common cause of DCM (Herman DS et al. N. Engl. J. Med., 2012 Feb;366:619-28; Roberts AM et al. Sci Transl Med, 2015 Jan;7:270ra6; Schafer S et al. Nat. Genet., 2017 01;49:46-53). Based on the majority of available evidence to date, this variant is likely to be pathogenic in association with autosomal recessive titinopathy; however, the clinical significance of this alteration with respect to cardiomyopathy remains unclear.